The following is an entry in ClinVar:

ClinVar aggregate classification (germline): Uncertain significance (1 of 4 stars; one submission).

Submission:

Labcorp Genetics (formerly Invitae), Labcorp
Classification: Uncertain significance. Last evaluated: 2025-06-09. Review status: criteria provided, single submitter. Criteria: Invitae Variant Classification Sherloc (09022015). Collection method: clinical testing. Allele origin: germline.
Comment: This sequence change replaces isoleucine, which is neutral and non-polar, with threonine, which is neutral and polar, at codon 110 of the TPRKB protein (p.Ile110Thr). This variant is present in population databases (rs146107320, gnomAD 0.008%). This variant has not been reported in the literature in individuals affected with TPRKB-related conditions. An algorithm developed to predict the effect of missense changes on protein structure and function outputs the following: PolyPhen-2: "Benign". The threonine amino acid residue is found in multiple mammalian species, which suggests that this missense change does not adversely affect protein function. In summary, the available evidence is currently insufficient to determine the role of this variant in disease. Therefore, it has been classified as a Variant of Uncertain Significance.

NM_016058.5(TPRKB):c.329T>C (p.Ile110Thr)

Gene: TPRKB (TP53RK binding protein; minus strand). Cytogenetic location: 2p13.1.
Variant type: single nucleotide variant.
Coding change: c.329T>C on transcript NM_016058.5 (MANE Select); coding-DNA position 329, T replaced by C.
Protein change: p.Ile110Thr; replaces isoleucine 110 with threonine.
Molecular consequence: missense variant.
Genome position (GRCh38, 1-based): chr2:73,730,672, A>G on the plus strand (T>C on the coding strand, the complement: TPRKB is on the minus strand). VCF-style: chr2-73730672-A-G. GRCh37 (hg19) VCF-style: chr2-73957799-A-G.
Other names: c.446T>C, p.Ile149Thr (NM_001330386.2, NM_001330387.2); c.329T>C, p.Ile110Thr (NM_001330388.2, NM_001330389.2); c.275T>C, p.Ile92Thr (NM_001330390.2); c.230T>C, p.Ile77Thr (NM_001330391.2, NM_001330392.2); short protein forms I149T, I77T, I110T, I92T.
Identifiers: ClinVar variation 4754927 (VCV004754927.1).